The following is an entry in ClinVar:

ClinVar aggregate classification (germline): Likely benign (1 of 4 stars; one submission).

Submission:

Mayo Clinic Laboratories, Mayo Clinic
Classification: Likely benign. Last evaluated: 2023-07-21. Review status: criteria provided, single submitter. Criteria: ACMG Guidelines, 2015. Collection method: clinical testing. Allele origin: germline. Observed: 1 variant allele.
Comment: PM2_moderate

NM_001351132.2(PEX5):c.147+71_147+116del

Gene: PEX5 (peroxisomal biogenesis factor 5; plus strand). Cytogenetic location: 12p13.31.
Variant type: Deletion.
Coding change: c.147+71_147+116del on transcript NM_001351132.2 (MANE Select); bases 71 to 116 of the intron after coding-DNA position 147, 46 bases deleted.
Molecular consequence: intron variant.
Genome position (GRCh38, 1-based): chr12:7,190,595-7,190,640, 46 bases deleted; deleting any 46 consecutive bases within chr12:7,190,593-7,190,640 gives the same sequence; the c. name uses the placement nearest the transcript's 3' end. GRCh37 (hg19): chr12:7,343,191-7,343,236.
Other names: p.?; c.192+26_192+71del (NM_001351138.2, NM_001351135.3, NM_001131023.2); c.147+71_147+116del (NM_001351136.2, NM_000319.5, NM_001131024.2 and 19 more transcripts).
Identifiers: ClinVar variation 4683727 (VCV004683727.1).